The following is an entry in ClinVar:

NM_001195248.2(APTX):c.484-13G>T

Gene: APTX (aprataxin; minus strand). Cytogenetic location: 9p21.1.
Variant type: single nucleotide variant.
Coding change: c.484-13G>T on transcript NM_001195248.2 (MANE Select); 13 bases into the intron before coding-DNA position 484, G replaced by T.
Molecular consequence: intron variant.
Genome position (GRCh38, 1-based): chr9:32,986,043, C>A on the plus strand (G>T on the coding strand, the complement: APTX is on the minus strand). VCF-style: chr9-32986043-C-A. GRCh37 (hg19) VCF-style: chr9-32986041-C-A.
Other names: c.322-13G>T (NM_001369001.1, NM_001369000.1, NM_001195250.2 and 1 more transcripts); c.484-13G>T (NM_001368996.1, NM_001368995.1, NM_001368997.1 and 6 more transcripts); c.220-13G>T (NM_001369002.1, NM_001369003.1, NM_001369004.1 and 5 more transcripts); c.268-13G>T (NM_001195252.2).
Identifiers: ClinVar variation 136415 (VCV000136415.25), dbSNP rs10123944, ClinGen allele CA289504.

ClinVar aggregate classification (germline): Benign/Likely benign. Review status: criteria provided, multiple submitters, no conflicts (2 of 4 stars). 8 submissions from 8 submitters: Benign (3); Likely benign (3). 2 of the submissions do not count toward it. Last evaluated 2026-02-03.

Conditions:
Ataxia, early-onset, with oculomotor apraxia and hypoalbuminemia (EAOH). Also called: ATAXIA-OCULOMOTOR APRAXIA SYNDROME; ATAXIA-TELANGIECTASIA-LIKE SYNDROME; Ataxia-oculomotor apraxia type 1. Identifiers: Orphanet 1168, MedGen C1859598, MONDO:0008842, OMIM 208920.

Allele frequency attached by ClinVar (database versions not stated): gnomAD 0.62521; ExAC 0.62627.

Submissions (11):

Labcorp Genetics (formerly Invitae), Labcorp
Classification: Likely benign. Last evaluated: 2026-02-03. Review status: criteria provided, single submitter. Criteria: Invitae Variant Classification Sherloc (09022015). Collection method: clinical testing. Allele origin: germline.

Blueprint Genetics
Classification: Likely benign. Last evaluated: 2024-11-27. Review status: criteria provided, single submitter. Criteria: ACMG Guidelines, 2015. Collection method: clinical testing. Allele origin: germline.

Unidad de Genómica Garrahan, Hospital de Pediatría Garrahan
Classification: Benign. Last evaluated: 2024-07-31. Review status: criteria provided, single submitter. Criteria: ACMG Guidelines, 2015. Collection method: clinical testing. Allele origin: germline. Affected: no. Observed: 46 variant alleles.
Comment: This variant is classified as Benign based on local population frequency. This variant was detected in 49% of patients studied in a panel designed for Epileptic and Developmental Encephalopathy, Progressive Myoclonus Epilepsy and Abnormal Movements and Neurodegeneration with brain iron accumulation. Number of patients: 46. Only high quality variants are reported.

Illumina Laboratory Services, Illumina
Classification: Benign for Ataxia, early-onset, with oculomotor apraxia and hypoalbuminemia. Last evaluated: 2018-01-13. Review status: criteria provided, single submitter. Criteria: ICSL Variant Classification Criteria 13 December 2019. Collection method: clinical testing. Allele origin: germline.
Comment: This variant was observed in the ICSL laboratory as part of a predisposition screen in an ostensibly healthy population. It had not been previously curated by ICSL or reported in the Human Gene Mutation Database (HGMD: prior to June 1st, 2018), and was therefore a candidate for classification through an automated scoring system. Utilizing variant allele frequency, disease prevalence and penetrance estimates, and inheritance mode, an automated score was calculated to assess if this variant is too frequent to cause the disease. Based on the score and internal cut-off values, a variant classified as benign is not then subjected to further curation. The score for this variant resulted in a classification of benign for this disease.

GeneDx
Classification: Benign. Last evaluated: 2012-09-07. Review status: criteria provided, single submitter. Criteria: GeneDx Variant Classification (06012015). Collection method: clinical testing. Allele origin: germline. Affected: yes.
Comment: This variant is considered likely benign or benign based on one or more of the following criteria: it is a conservative change, it occurs at a poorly conserved position in the protein, it is predicted to be benign by multiple in silico algorithms, and/or has population frequency not consistent with disease.

Breakthrough Genomics
Classification: Likely benign. Review status: criteria provided, single submitter. Criteria: ACMG Guidelines, 2015. Collection method: not provided. Allele origin: germline. Inheritance: Autosomal recessive inheritance. Affected: yes.

Dr. Peter K. Rogan Lab, Western University
No classification provided (evidence only). Condition: Hepatocellular carcinoma. Review status: no classification provided. Collection method: in vitro. Allele origin: not applicable. Functional consequence: retained intron. Not counted in ClinVar's aggregate classification.

Dr. Peter K. Rogan Lab, Western University
No classification provided (evidence only). Condition: Uterine carcinosarcoma. Review status: no classification provided. Collection method: in vitro. Allele origin: not applicable. Functional consequence: retained intron. Not counted in ClinVar's aggregate classification.

Dr. Peter K. Rogan Lab, Western University
No classification provided (evidence only). Condition: Uterine carcinosarcoma. Review status: no classification provided. Collection method: in vitro. Allele origin: not applicable. Functional consequence: retained intron. Not counted in ClinVar's aggregate classification.

Genome Diagnostics Laboratory, University Medical Center Utrecht
Classification: Benign. Review status: no assertion criteria provided. Collection method: clinical testing. Allele origin: germline. Affected: yes. Study: VKGL Data-share Consensus. Not counted in ClinVar's aggregate classification.

Joint Genome Diagnostic Labs from Nijmegen and Maastricht, Radboudumc and MUMC+
Classification: Likely benign. Review status: no assertion criteria provided. Collection method: clinical testing. Allele origin: germline. Affected: yes. Study: VKGL Data-share Consensus. Not counted in ClinVar's aggregate classification.